The following is an entry in ClinVar:

NM_002529.4(NTRK1):c.1672C>T (p.Gln558Ter)

Gene: NTRK1 (neurotrophic receptor tyrosine kinase 1; plus strand). Cytogenetic location: 1q23.1.
Variant type: single nucleotide variant.
Coding change: c.1672C>T on transcript NM_002529.4 (MANE Select); coding-DNA position 1672, C replaced by T.
Protein change: p.Gln558Ter; replaces glutamine 558 with a stop codon.
Molecular consequence: nonsense.
Genome position (GRCh38, 1-based): chr1:156,876,439, C>T. VCF-style: chr1-156876439-C-T. GRCh37 (hg19) VCF-style: chr1-156846231-C-T.
Other names: c.1564C>T, p.Gln522Ter (NM_001007792.1); c.1654C>T, p.Gln552Ter (NM_001012331.2); short protein forms Q522*, Q552*, Q558*.
Identifiers: ClinVar variation 4814508 (VCV004814508.1).
Genomic context (GRCh38, chr1:156,876,439, plus strand): 5'-GTCCCTGCCGCTTCCATCCAGGCACTGAAGGAGGCGTCCGAGAGTGCTCGGCAGGACTTC[C>T]AGCGTGAGGCTGAGCTGCTCACCATGCTGCAGCACCAGCACATCGTGCGCTTCTTCGGCG-3'

ClinVar aggregate classification (germline): Likely pathogenic (1 of 4 stars; one submission).

Conditions:
Hereditary insensitivity to pain with anhidrosis (CIPA). Also called: INSENSITIVITY TO PAIN, CONGENITAL, WITH ANHIDROSIS; hereditary sensory and autonomic neuropathy type 4; FAMILIAL DYSAUTONOMIA, TYPE II; NEUROPATHY, CONGENITAL SENSORY, WITH ANHIDROSIS; NTRK1 Congenital Insensitivity to Pain with Anhidrosis; HSAN Type IV. Identifiers: Orphanet 642, MedGen C0020074, MONDO:0009746, OMIM 256800.

Submission:

Natera, Inc.
Classification: Likely pathogenic for Hereditary insensitivity to pain with anhidrosis. Last evaluated: 2024-04-30. Review status: criteria provided, single submitter. Criteria: Natera Variant Classification Schema (03/2026). Collection method: clinical testing. Allele origin: germline.
Comment: The c.1654C>T variant in NTRK1 is a nonsense variant predicted to introduce a stop codon at amino acid 552. This variant is expected to result in nonsense mediated decay, truncation, or a dysfunctional protein product. This variant is rare in the general population with a frequency below the threshold expected for the associated phenotype(s). Given the available evidence, this variant is classified as Likely Pathogenic.